The following is an entry in ClinVar:

NM_000059.4(BRCA2):c.2135T>C (p.Leu712Pro)

Gene: BRCA2 (BRCA2 DNA repair associated; plus strand). Cytogenetic location: 13q13.1.
Variant type: single nucleotide variant.
Coding change: c.2135T>C on transcript NM_000059.4 (MANE Select); coding-DNA position 2135, T replaced by C.
Protein change: p.Leu712Pro; replaces leucine 712 with proline.
Molecular consequence: missense variant.
Genome position (GRCh38, 1-based): chr13:32,336,490, T>C. VCF-style: chr13-32336490-T-C. GRCh37 (hg19) VCF-style: chr13-32910627-T-C.
Other names: p.L712P:CTG>CCG; short protein forms L712P.
Identifiers: ClinVar variation 51248 (VCV000051248.30), dbSNP rs80358490, ClinGen allele CA014418.

ClinVar aggregate classification (germline): Conflicting classifications of pathogenicity. Review status: criteria provided, conflicting classifications (1 of 4 stars). 11 submissions from 11 submitters: Uncertain significance (5); Benign (1); Likely benign (3). 2 of the submissions do not count toward it. Last evaluated 2026-01-08.

Conditions:
Hereditary breast ovarian cancer syndrome. Also called: Hereditary breast and ovarian cancer syndrome; Hereditary breast and ovarian cancer; Hereditary breast and ovarian cancer syndrome (HBOC); Breast and ovarian cancer; Hereditary breast and/or ovarian cancer syndrome; BRCA1- and BRCA2-Associated Hereditary Breast and Ovarian Cancer. Identifiers: Orphanet 145, MedGen C0677776, MeSH D061325, MONDO:0003582. Disease mechanism: loss of function.
Breast-ovarian cancer, familial, susceptibility to, 2 (BROVCA2). Also called: BRCA2 Hereditary Breast and Ovarian Cancer. Identifiers: Orphanet 145, MedGen C2675520, MONDO:0012933, OMIM 612555. Disease mechanism: loss of function.
Hereditary cancer-predisposing syndrome. Also called: Neoplastic Syndromes, Hereditary; Tumor predisposition; Hereditary Cancer Syndrome; Hereditary neoplastic syndrome. Identifiers: Orphanet 140162, MedGen C0027672, MeSH D009386, MONDO:0015356.

Allele frequency attached by ClinVar (database versions not stated): gnomAD exomes below 0.00001.
gnomAD v4.1: 5 of 1,614,110 alleles (0.00031%); highest among the groups gnomAD compares: Non-Finnish European, 0.00042%; no homozygotes.

Submissions (11):

Labcorp Genetics (formerly Invitae), Labcorp
Classification: Likely benign for Hereditary breast ovarian cancer syndrome. Last evaluated: 2026-01-08. Review status: criteria provided, single submitter. Criteria: Invitae Variant Classification Sherloc (09022015). Collection method: clinical testing. Allele origin: germline.

Center for Genomic Medicine, Rigshospitalet, Copenhagen University Hospital
Classification: Likely benign. Last evaluated: 2025-12-29. Review status: criteria provided, single submitter. Criteria: ACMG Guidelines, 2015. Collection method: clinical testing. Allele origin: germline.
Comment: Classification criteria: BP1_strong

Color Diagnostics, LLC DBA Color Health
Classification: Uncertain significance for Hereditary cancer-predisposing syndrome. Last evaluated: 2025-01-28. Review status: criteria provided, single submitter. Criteria: ACMG Guidelines, 2015. Collection method: clinical testing. Allele origin: germline.
Comment: This missense variant replaces leucine with proline at codon 712 of the BRCA2 protein. Computational prediction suggests that this variant may not impact protein structure and function. To our knowledge, functional studies have not been reported for this variant. This variant has been reported in an individual affected with prostate cancer (PMID: 32268276). This variant has been detected in a breast cancer case-control meta-analysis in 3/60466 cases and 2/53461 unaffected individuals (PMID: 33471991; Leiden Open Variation Database DB-ID BRCA2_001655). This variant has not been identified in the general population by the Genome Aggregation Database (gnomAD). The available evidence is insufficient to determine the role of this variant in disease conclusively. Therefore, this variant is classified as a Variant of Uncertain Significance.

Ambry Genetics
Classification: Benign for Hereditary cancer-predisposing syndrome. Last evaluated: 2024-11-26. Review status: criteria provided, single submitter. Criteria: Ambry Variant Classification Scheme 2023. Collection method: clinical testing. Allele origin: germline.

GeneDx
Classification: Uncertain significance. Last evaluated: 2024-03-20. Review status: criteria provided, single submitter. Criteria: GeneDx Variant Classification Process June 2021. Collection method: clinical testing. Allele origin: germline. Affected: yes.
Comment: Not observed at significant frequency in large population cohorts (gnomAD); In silico analysis supports that this missense variant has a deleterious effect on protein structure/function; Also known as 2363T>C; This variant is associated with the following publications: (PMID: 20167696, 32377563, 29884841, 31131967, 33471991, 30541756, 32268276, 35585550)

All of Us Research Program, National Institutes of Health
Classification: Uncertain significance for Breast-ovarian cancer, familial, susceptibility to, 2. Last evaluated: 2023-10-27. Review status: criteria provided, single submitter. Criteria: ACMG Guidelines, 2015. Collection method: clinical testing. Allele origin: germline. Inheritance: Autosomal dominant inheritance. Observed: 3 variant alleles, 3 heterozygotes.
Comment: This missense variant replaces leucine with proline at codon 712 of the BRCA2 protein. Computational prediction suggests that this variant may not impact protein structure and function (internally defined REVEL score threshold <= 0.5, PMID: 27666373). To our knowledge, functional studies have not been reported for this variant. This variant has been reported in an individual affected with prostate cancer (PMID: 32268276). In a large breast cancer case-control meta-analysis conducted by the BRIDGES consortium, this variant was reported in 3/60466 cases and 2/53461 unaffected controls (OR=1.326 (95%CI 0.222 to 7.938)) (PMID: 33471991; Leiden Open Variation Database DB-ID BRCA2_001655). This variant has not been identified in the general population by the Genome Aggregation Database (gnomAD). The available evidence is insufficient to determine the role of this variant in disease conclusively. Therefore, this variant is classified as a Variant of Uncertain Significance.

This study involves interpretation of variants in research participants for the purpose of population health screening. Participant phenotype was not available at the time of variant classification. Additional details can be found in publication PMID: 35346344, PMCID: PMC8962531

University of Washington Department of Laboratory Medicine, University of Washington
Classification: Likely benign for Hereditary cancer-predisposing syndrome. Last evaluated: 2023-03-23. Review status: criteria provided, single submitter. Criteria: Dines et al. (Genet Med. 2020). Collection method: curation. Allele origin: germline.
Comment: Missense variant in a coldspot region where missense variants are very unlikely to be pathogenic (PMID:31911673).

BRCA2 exon 11 coldspot. Reclassification based on statistical prior probability.

Quest Diagnostics Nichols Institute San Juan Capistrano
Classification: Uncertain significance. Last evaluated: 2018-04-06. Review status: criteria provided, single submitter. Criteria: Quest Diagnostics criteria. Collection method: clinical testing. Allele origin: germline.

Women's Health and Genetics/Laboratory Corporation of America, LabCorp
Classification: Uncertain significance. Last evaluated: 2016-07-26. Review status: criteria provided, single submitter. Criteria: LabCorp Variant Classification Summary - May 2015. Collection method: clinical testing. Allele origin: germline.
Comment: Variant summary: The BRCA2 c.2135T>C (p.Leu712Pro) variant involves the alteration of a non-conserved nucleotide. 2/5 in silico tools predict a benign outcome. This variant is outside of known functional domains in BRCA2 protein. This variant is absent in approximately 120854 control chromosomes from ExAC. This variant has been reported in at least one clinical sample in a study (Mattocks_2010), without strong evidence for or against pathogenicity. It has also been reported in one sample by BIC without co-occurrence with another deleterious variant in BRCA1/2. But in one of two samples reported in UMD, this variant co-occured with another deleterious variant BRCA2 p.Tyr1894X. Although the possibility that this patient had Faconi Anemia can not be ruled out, it is more likely that the variant of interest is not pathogenic. Multiple clinical diagnostic laboratories and a reputable database (UMD) have classified this variant as uncertain significance. Taken all lines of evidence together, this variant is classified as VUS-possibly benign.

Counsyl
Classification: Uncertain significance for Breast-ovarian cancer, familial, susceptibility to, 2. Last evaluated: 2018-04-02. Review status: no assertion criteria provided. Collection method: clinical testing. Allele origin: unknown. Not counted in ClinVar's aggregate classification.

Breast Cancer Information Core (BIC) (BRCA2)
Classification: Uncertain significance for Breast-ovarian cancer, familial 2. Last evaluated: 2003-12-23. Review status: no assertion criteria provided. Collection method: clinical testing. Allele origin: germline. Affected: yes. Observed: 1 variant allele. Not counted in ClinVar's aggregate classification.

Literature cited by the submitters: PubMed 32268276 (cited by Color Diagnostics, LLC DBA Color Health and All of Us Research Program, National Institutes of Health); PubMed 33471991 (cited by Color Diagnostics, LLC DBA Color Health and All of Us Research Program, National Institutes of Health); PubMed 30541756 (cited by Ambry Genetics); PubMed 20167696 (cited by Women's Health and Genetics/Laboratory Corporation of America, LabCorp and Counsyl).